The following is an entry in ClinVar:

ClinVar aggregate classification (germline): Likely benign. Review status: criteria provided, multiple submitters, no conflicts (2 of 4 stars). 2 submissions from 2 submitters: Likely benign (2). Last evaluated 2025-02-07.

Conditions:
Osteogenesis imperfecta type I (OI1). Also called: OI, TYPE I; OSTEOGENESIS IMPERFECTA TARDA; OSTEOGENESIS IMPERFECTA WITH BLUE SCLERAE; Classic Non-deforming Osteogenesis Imperfecta with Blue Sclerae; Osteogenesis imperfecta type 1; Lobstein's Disease. Identifiers: Orphanet 216796, Orphanet 666, MedGen C0023931, MONDO:0008146, OMIM 166200. Disease mechanism: loss of function.
Ehlers-Danlos syndrome, classic type, 1 (EDSCL1). Also called: EHLERS-DANLOS SYNDROME, GRAVIS TYPE; EHLERS-DANLOS SYNDROME, SEVERE CLASSIC TYPE; Ehlers-Danlos syndrome, type 1; Ehlers-Danlos Syndrome, Classic Type, COL5A1-Related; EDS I. Identifiers: MedGen C0268335, MONDO:0019567, OMIM 130000.

Allele frequency attached by ClinVar (database versions not stated): gnomAD exomes 0.00001.
gnomAD v4.1: 12 of 1,614,082 alleles (0.00074%); highest among the groups gnomAD compares: Non-Finnish European, 0.001%; no homozygotes.

Submissions (2):

Labcorp Genetics (formerly Invitae), Labcorp
Classification: Likely benign for Osteogenesis imperfecta type I; Ehlers-Danlos syndrome, classic type, 1. Last evaluated: 2025-02-07. Review status: criteria provided, single submitter. Criteria: Invitae Variant Classification Sherloc (09022015). Collection method: clinical testing. Allele origin: germline.

Women's Health and Genetics/Laboratory Corporation of America, LabCorp
Classification: Likely benign. Last evaluated: 2024-09-30. Review status: criteria provided, single submitter. Criteria: LabCorp Variant Classification Summary - May 2015. Collection method: clinical testing. Allele origin: germline.
Comment: Variant summary: COL1A2 c.2046T>A alters a non-conserved nucleotide resulting in a synonymous change. Consensus agreement among computation tools predict no significant impact on normal splicing. However, these predictions have yet to be confirmed by functional studies. The variant was absent in 251446 control chromosomes. The available data on variant occurrences in the general population are insufficient to allow any conclusion about variant significance. To our knowledge, no occurrence of c.2046T>A in individuals affected with Osteoporosis and no experimental evidence demonstrating its impact on protein function have been reported. ClinVar contains an entry for this variant (Variation ID: 1141453). Based on the evidence outlined above, the variant was classified as likely benign.

NM_000089.4(COL1A2):c.2046T>A (p.Gly682=)

Gene: COL1A2 (collagen type I alpha 2 chain; plus strand). Cytogenetic location: 7q21.3.
Variant type: single nucleotide variant.
Coding change: c.2046T>A on transcript NM_000089.4 (MANE Select); coding-DNA position 2046, T replaced by A.
Protein change: p.Gly682=; no amino-acid change (glycine 682 retained).
Molecular consequence: synonymous variant.
Genome position (GRCh38, 1-based): chr7:94,419,518, T>A. VCF-style: chr7-94419518-T-A. GRCh37 (hg19) VCF-style: chr7-94048830-T-A.
Identifiers: ClinVar variation 1141453 (VCV001141453.11), dbSNP rs2115927971, ClinGen allele CA456489251.